The following is an entry in ClinVar:

NM_001330260.2(SCN8A):c.4498C>T (p.Pro1500Ser)

Gene: SCN8A (sodium voltage-gated channel alpha subunit 8; plus strand). Cytogenetic location: 12q13.13.
Variant type: single nucleotide variant.
Coding change: c.4498C>T on transcript NM_001330260.2 (MANE Select); coding-DNA position 4498, C replaced by T.
Protein change: p.Pro1500Ser; replaces proline 1500 with serine.
Molecular consequence: missense variant.
Genome position (GRCh38, 1-based): chr12:51,790,476, C>T. VCF-style: chr12-51790476-C-T. GRCh37 (hg19) VCF-style: chr12-52184260-C-T.
Other names: c.4375C>T, p.Pro1459Ser (NM_001177984.3, NM_001369788.1); c.4498C>T, p.Pro1500Ser (NM_014191.4); short protein forms P1459S, P1500S.
Identifiers: ClinVar variation 4891456 (VCV004891456.1).

ClinVar aggregate classification (germline): Uncertain significance (1 of 4 stars; one submission).

Submission:

GeneDx
Classification: Uncertain significance. Last evaluated: 2026-03-12. Review status: criteria provided, single submitter. Criteria: GeneDx Variant Classification Process June 2021. Collection method: clinical testing. Allele origin: germline.
Comment: Not observed at significant frequency in large population cohorts (gnomAD); In silico analysis supports that this missense variant has a deleterious effect on protein structure/function; Has not been previously published as pathogenic or benign to our knowledge; This variant is associated with the following publications: (PMID: 26029160)